The following is an entry in ClinVar:

NM_001386795.1(DTNA):c.1753G>A (p.Ala585Thr)

Gene: DTNA (dystrobrevin alpha; plus strand). Cytogenetic location: 18q12.1.
Variant type: single nucleotide variant.
Coding change: c.1753G>A on transcript NM_001386795.1 (MANE Select); coding-DNA position 1753, G replaced by A.
Protein change: p.Ala585Thr; replaces alanine 585 with threonine.
Molecular consequence: missense variant.
Genome position (GRCh38, 1-based): chr18:34,875,248, G>A. VCF-style: chr18-34875248-G-A. GRCh37 (hg19) VCF-style: chr18-32455212-G-A.
Other names: c.1513G>A, p.Ala505Thr (NM_001198939.2); c.1492G>A, p.Ala498Thr (NM_001198940.2, NM_001386753.1, NM_001386767.1 and 5 more transcripts); c.799G>A, p.Ala267Thr (NM_001198942.1); c.742G>A, p.Ala248Thr (NM_001198943.1); c.628G>A, p.Ala210Thr (NM_001198944.1); c.1582G>A, p.Ala528Thr (NM_001386754.1, NM_001386755.1, NM_001386756.1 and 3 more transcripts); c.1489G>A, p.Ala497Thr (NM_001386768.1, NM_001386769.1); c.1753G>A, p.Ala585Thr (NM_001386788.1); and 5 more; short protein forms A206T, A210T, A248T, A267T, A498T, A501T, A505T, A558T.
Identifiers: ClinVar variation 928934 (VCV000928934.4), dbSNP rs767501382, ClinGen allele CA8935837.

ClinVar aggregate classification (germline): Uncertain significance. Review status: criteria provided, multiple submitters, no conflicts (2 of 4 stars). 2 submissions from 2 submitters: Uncertain significance (2). Last evaluated 2023-11-15.

Conditions:
Left ventricular noncompaction 1 (LVNC1). Also called: LEFT VENTRICULAR NONCOMPACTION 1 WITH OR WITHOUT CONGENITAL HEART DEFECTS. Identifiers: Orphanet 54260, MedGen C1858725, MONDO:0011403, OMIM 604169.

Allele frequency attached by ClinVar (database versions not stated): ExAC 0.00001; gnomAD 0.00001 and 0.00002; gnomAD exomes 0.00001; TOPMed 0.00003.
gnomAD v4.1: 9 of 1,613,766 alleles (0.00056%); highest among the groups gnomAD compares: East Asian, 0.0022%; no homozygotes.

Submissions (2):

Labcorp Genetics (formerly Invitae), Labcorp
Classification: Uncertain significance for Left ventricular noncompaction 1. Last evaluated: 2023-11-15. Review status: criteria provided, single submitter. Criteria: Invitae Variant Classification Sherloc (09022015). Collection method: clinical testing. Allele origin: germline.
Comment: This sequence change replaces alanine, which is neutral and non-polar, with threonine, which is neutral and polar, at codon 558 of the DTNA protein (p.Ala558Thr). This variant is present in population databases (rs767501382, gnomAD 0.005%). This variant has not been reported in the literature in individuals affected with DTNA-related conditions. ClinVar contains an entry for this variant (Variation ID: 928934). An algorithm developed to predict the effect of missense changes on protein structure and function (PolyPhen-2) suggests that this variant is likely to be tolerated. In summary, the available evidence is currently insufficient to determine the role of this variant in disease. Therefore, it has been classified as a Variant of Uncertain Significance.

Women's Health and Genetics/Laboratory Corporation of America, LabCorp
Classification: Uncertain significance. Last evaluated: 2019-09-16. Review status: criteria provided, single submitter. Criteria: LabCorp Variant Classification Summary - May 2015. Collection method: clinical testing. Allele origin: germline.
Comment: Variant summary: DTNA c.1672G>A (p.Ala558Thr) results in a non-conservative amino acid change in the encoded protein sequence. Three of five in-silico tools predict a benign effect of the variant on protein function. The variant allele was found at a frequency of 1.2e-05 in 251134 control chromosomes (gnomAD). The available data on variant occurrences in the general population are insufficient to allow any conclusion about variant significance. To our knowledge, no occurrence of c.1672G>A in individuals affected with Cardiomyopathy and no experimental evidence demonstrating its impact on protein function have been reported. No clinical diagnostic laboratories have submitted clinical-significance assessments for this variant to ClinVar after 2014. Based on the evidence outlined above, the variant was classified as uncertain significance.